The following is an entry in ClinVar:

NM_004369.4(COL6A3):c.6138_6139delinsGT (p.Ile2046_Gly2047delinsMetCys)

Gene: COL6A3 (collagen type VI alpha 3 chain; minus strand). Cytogenetic location: 2q37.3.
Variant type: Indel.
Coding change: c.6138_6139delinsGT on transcript NM_004369.4 (MANE Select); coding-DNA positions 6138 to 6139, CG replaced by GT.
Protein change: p.Ile2046_Gly2047delinsMetCys.
Molecular consequence: missense variant.
Genome position (GRCh38, 1-based): chr2:237,361,756-237,361,757, CG replaced by AC on the plus strand (CG replaced by GT on the coding strand, the reverse complement: COL6A3 is on the minus strand). VCF-style: chr2-237361756-CG-AC. GRCh37 (hg19) VCF-style: chr2-238270399-CG-AC.
Other names: c.4317_4318delinsGT, p.Ile1439_Gly1440delinsMetCys (NM_057166.5); c.5520_5521delinsGT, p.Ile1840_Gly1841delinsMetCys (NM_057167.4).
Identifiers: ClinVar variation 3730523 (VCV003730523.2).
Genomic context (GRCh38, chr2:237,361,756, plus strand): 5'-TGACACCTCATCTCAGGCGTGGGCAAGGGTAAAGCCACCGTACCTTTGGCCCGATGCTGC[CG>AC]ATGGGCCCGCGGTCTCCCCTCTGCCCAGAGCACTTGCAGGGAACCCCACAGCAAGCTTTC-3'

ClinVar aggregate classification (germline): Uncertain significance (1 of 4 stars; one submission).

Conditions:
Bethlem myopathy 1A. Also called: MYOPATHY, BENIGN CONGENITAL, WITH CONTRACTURES; Bethlem Muscular Dystrophy; Bethlem myopathy 1. Identifiers: Orphanet 610, MedGen CN029274, MONDO:0024530, OMIM 158810.

Submission:

Labcorp Genetics (formerly Invitae), Labcorp
Classification: Uncertain significance for Bethlem myopathy 1A. Last evaluated: 2024-09-10. Review status: criteria provided, single submitter. Criteria: Invitae Variant Classification Sherloc (09022015). Collection method: clinical testing. Allele origin: germline.
Comment: This variant, c.6138_6139delinsGT, is a complex sequence change that results in the deletion of 2 and insertion of 2 amino acid(s) in the COL6A3 protein (p.Ile2046_Gly2047delinsMetCys). Information on the frequency of this variant in the gnomAD database is not available, as this variant may be reported differently in the database. This variant has not been reported in the literature in individuals affected with COL6A3-related conditions. Experimental studies and prediction algorithms are not available or were not evaluated, and the functional significance of this variant is currently unknown. This variant disrupts the triple helix domain of COL6A3. Glycine residues within the Gly-Xaa-Yaa repeats of the triple helix domain are required for the structure and stability of fibrillar collagens (PMID: 7695699, 8218237, 19344236). In COL6A3, missense variants at these glycine residues are significantly enriched in individuals with autosomal dominant disease (PMID: 15689448, 24038877) compared to the general population (ExAC). In summary, the available evidence is currently insufficient to determine the role of this variant in disease. Therefore, it has been classified as a Variant of Uncertain Significance.

Literature cited by the submitters: PubMed 7695699; PubMed 8218237; PubMed 19344236; PubMed 15689448; PubMed 24038877.